The following is an entry in ClinVar:

ClinVar aggregate classification (germline): Conflicting classifications of pathogenicity. Review status: criteria provided, conflicting classifications (1 of 4 stars). 3 submissions from 3 submitters: Uncertain significance (1); Likely benign (2). Last evaluated 2026-08-18.

Conditions:
ABCG8-related disorder. Also called: ABCG8-related condition.

Allele frequency attached by ClinVar (database versions not stated): gnomAD exomes 0.00001 and 0.00004; gnomAD 0.00002 and 0.00003; TOPMed 0.00003; ExAC 0.00004; 1000 Genomes Project 30x 0.00016; 1000 Genomes Project 0.00020.
gnomAD v4.1: 24 of 1,600,398 alleles (0.0015%); highest among the groups gnomAD compares: Middle Eastern, 0.05%; no homozygotes.

Submissions (3):

PreventionGenetics, part of Exact Sciences
Classification: Likely benign for ABCG8-related condition. Last evaluated: 2026-08-18. Review status: criteria provided, single submitter. Criteria: ACMG Guidelines, 2015. Collection method: clinical testing. Allele origin: germline.
Comment: This variant is classified as likely benign based on ACMG/AMP sequence variant interpretation guidelines (Richards et al. 2015 PMID: 25741868, with internal and published modifications).

Labcorp Genetics (formerly Invitae), Labcorp
Classification: Likely benign. Last evaluated: 2025-12-14. Review status: criteria provided, single submitter. Criteria: Invitae Variant Classification Sherloc (09022015). Collection method: clinical testing. Allele origin: germline.

Eurofins Ntd Llc (ga)
Classification: Uncertain significance. Last evaluated: 2017-10-13. Review status: criteria provided, single submitter. Criteria: EGL Classification Definitions 2015. Collection method: clinical testing. Allele origin: germline. Observed: 1 variant allele, 1 heterozygote.

NM_022437.3(ABCG8):c.165+10C>T

Gene: ABCG8 (ATP binding cassette subfamily G member 8; plus strand). Cytogenetic location: 2p21.
Variant type: single nucleotide variant.
Coding change: c.165+10C>T on transcript NM_022437.3 (MANE Select); 10 bases into the intron after coding-DNA position 165, C replaced by T.
Molecular consequence: intron variant.
Genome position (GRCh38, 1-based): chr2:43,844,618, C>T. VCF-style: chr2-43844618-C-T. GRCh37 (hg19) VCF-style: chr2-44071757-C-T.
Other names: c.165+10C>T (NM_001357321.2).
Identifiers: ClinVar variation 594540 (VCV000594540.15), dbSNP rs574722652, ClinGen allele CA1636905.